The following is an entry in ClinVar:

NM_005458.8(GABBR2):c.1217C>T (p.Thr406Ile)

Gene: GABBR2 (gamma-aminobutyric acid type B receptor subunit 2; minus strand). Cytogenetic location: 9q22.33.
Variant type: single nucleotide variant.
Coding change: c.1217C>T on transcript NM_005458.8 (MANE Select); coding-DNA position 1217, C replaced by T.
Protein change: p.Thr406Ile; replaces threonine 406 with isoleucine.
Molecular consequence: missense variant.
Genome position (GRCh38, 1-based): chr9:98,454,000, G>A on the plus strand (C>T on the coding strand, the complement: GABBR2 is on the minus strand). VCF-style: chr9-98454000-G-A. GRCh37 (hg19) VCF-style: chr9-101216282-G-A.
Other names: short protein forms T406I.
Identifiers: ClinVar variation 3655404 (VCV003655404.2).

ClinVar aggregate classification (germline): Uncertain significance (1 of 4 stars; one submission).

Conditions:
Epileptic encephalopathy. Identifiers: MedGen C0543888, HP:0200134.

Submission:

Labcorp Genetics (formerly Invitae), Labcorp
Classification: Uncertain significance for Epileptic encephalopathy. Last evaluated: 2024-06-04. Review status: criteria provided, single submitter. Criteria: Invitae Variant Classification Sherloc (09022015). Collection method: clinical testing. Allele origin: germline.
Comment: This sequence change replaces threonine, which is neutral and polar, with isoleucine, which is neutral and non-polar, at codon 406 of the GABBR2 protein (p.Thr406Ile). This variant is not present in population databases (gnomAD no frequency). This variant has not been reported in the literature in individuals affected with GABBR2-related conditions. Advanced modeling of protein sequence and biophysical properties (such as structural, functional, and spatial information, amino acid conservation, physicochemical variation, residue mobility, and thermodynamic stability) performed at Invitae indicates that this missense variant is not expected to disrupt GABBR2 protein function with a negative predictive value of 80%. In summary, the available evidence is currently insufficient to determine the role of this variant in disease. Therefore, it has been classified as a Variant of Uncertain Significance.